The following is an entry in ClinVar:

ClinVar aggregate classification (germline): Uncertain significance (1 of 4 stars; one submission).

Submission:

Women's Health and Genetics/Laboratory Corporation of America, LabCorp
Classification: Uncertain significance. Last evaluated: 2024-12-12. Review status: criteria provided, single submitter. Criteria: LabCorp Variant Classification Summary - May 2015. Collection method: clinical testing. Allele origin: germline.
Comment: Variant summary: WDFY3 c.9467T>C (p.Leu3156Ser) results in a non-conservative amino acid change in the encoded protein sequence. Four of five in-silico tools predict a damaging effect of the variant on protein function. The variant was absent in 251422 control chromosomes. The available data on variant occurrences in the general population are insufficient to allow any conclusion about variant significance. To our knowledge, no occurrence of c.9467T>C in individuals affected with Microcephaly 18, Primary, Autosomal Dominant and no experimental evidence demonstrating its impact on protein function have been reported. No submitters have cited clinical-significance assessments for this variant to ClinVar. Based on the evidence outlined above, the variant was classified as uncertain significance.

NM_014991.6(WDFY3):c.9467T>C (p.Leu3156Ser)

Gene: WDFY3 (WD repeat and FYVE domain containing 3; minus strand). Cytogenetic location: 4q21.23.
Variant type: single nucleotide variant.
Coding change: c.9467T>C on transcript NM_014991.6 (MANE Select); coding-DNA position 9467, T replaced by C.
Protein change: p.Leu3156Ser; replaces leucine 3156 with serine.
Molecular consequence: missense variant.
Genome position (GRCh38, 1-based): chr4:84,688,162, A>G on the plus strand (T>C on the coding strand, the complement: WDFY3 is on the minus strand). VCF-style: chr4-84688162-A-G. GRCh37 (hg19) VCF-style: chr4-85609315-A-G.
Other names: short protein forms L3156S.
Identifiers: ClinVar variation 3768093 (VCV003768093.1).
Genomic context (GRCh38, chr4:84,688,162, plus strand): 5'-CAAAGAGCAGAAACTGGAGCTCGATGCCCTCGAAGCTGGGTTAGAAATGACAGTTTGTTC[A>G]AATCCCAAATGATACAGGTTCGATCACGGGACCCACTGACAATTATGTGATAGGCTAATG-3'
Protein context (NP_055806.2, residues 3146-3166): SRDRTCIIWD[Leu3156Ser]NKLSFLTQLR